The following is an entry in ClinVar:

ClinVar aggregate classification (germline): Likely benign (1 of 4 stars; one submission).

Conditions:
ABO-related disorder. Also called: ABO-related condition.

Submission:

PreventionGenetics, part of Exact Sciences
Classification: Likely benign for ABO-related condition. Last evaluated: 2020-12-17. Review status: criteria provided, single submitter. Criteria: ACMG Guidelines, 2015. Collection method: clinical testing. Allele origin: germline.
Comment: This variant is classified as likely benign based on ACMG/AMP sequence variant interpretation guidelines (Richards et al. 2015 PMID: 25741868, with internal and published modifications).

NM_020469.4(ABO):c.826G>A (p.Glu276Lys)

Gene: ABO (ABO, alpha 1-3-N-acetylgalactosaminyltransferase and alpha 1-3-galactosyltransferase; minus strand). Cytogenetic location: 9q34.2.
Variant type: single nucleotide variant.
Coding change: c.826G>A on transcript NM_020469.4; coding-DNA position 826, G replaced by A.
Protein change: p.Glu276Lys; replaces glutamic acid 276 with lysine.
Molecular consequence: missense variant.
Genome position (GRCh38, 1-based): chr9:133,255,905, C>T on the plus strand (G>A on the coding strand, the complement: ABO is on the minus strand). VCF-style: chr9-133255905-C-T. GRCh37 (hg19) VCF-style: chr9-136131292-C-T.
Other names: short protein forms E276K.
Identifiers: ClinVar variation 3035085 (VCV003035085.1), dbSNP rs2490918899, ClinGen allele CA375684911.